The following is an entry in ClinVar:

NM_025099.6(CTC1):c.523G>A (p.Gly175Arg)

Gene: CTC1 (CST telomere replication complex component 1; minus strand). Cytogenetic location: 17p13.1.
Variant type: single nucleotide variant.
Coding change: c.523G>A on transcript NM_025099.6 (MANE Select); coding-DNA position 523, G replaced by A.
Protein change: p.Gly175Arg; replaces glycine 175 with arginine.
Molecular consequence: missense variant. On other transcripts: non-coding transcript variant (1).
Genome position (GRCh38, 1-based): chr17:8,238,155, C>T on the plus strand (G>A on the coding strand, the complement: CTC1 is on the minus strand). VCF-style: chr17-8238155-C-T. GRCh37 (hg19) VCF-style: chr17-8141473-C-T.
Other names: c.523G>A, p.Gly175Arg (NM_001411067.1); short protein forms G175R.
Identifiers: ClinVar variation 4797913 (VCV004797913.1).

ClinVar aggregate classification (germline): Uncertain significance (1 of 4 stars; one submission).

Conditions:
Dyskeratosis congenita. Identifiers: Orphanet 1775, MedGen C0265965, MONDO:0015780.

gnomAD v4.1: 1 of 1,614,136 alleles (0.000062%); highest among the groups gnomAD compares: South Asian, 0.0011%; no homozygotes.

Submission:

Labcorp Genetics (formerly Invitae), Labcorp
Classification: Uncertain significance for Dyskeratosis congenita. Last evaluated: 2025-11-05. Review status: criteria provided, single submitter. Criteria: Invitae Variant Classification Sherloc (09022015). Collection method: clinical testing. Allele origin: germline.
Comment: This sequence change replaces glycine, which is neutral and non-polar, with arginine, which is basic and polar, at codon 175 of the CTC1 protein (p.Gly175Arg). This variant is present in population databases (no rsID available, gnomAD 0.003%). This variant has not been reported in the literature in individuals affected with CTC1-related conditions. Invitae Evidence Modeling of protein sequence and biophysical properties (such as structural, functional, and spatial information, amino acid conservation, physicochemical variation, residue mobility, and thermodynamic stability) indicates that this missense variant is not expected to disrupt CTC1 protein function with a negative predictive value of 80%. In summary, the available evidence is currently insufficient to determine the role of this variant in disease. Therefore, it has been classified as a Variant of Uncertain Significance.